The following is an entry in ClinVar:

NM_005901.6(SMAD2):c.320A>G (p.Gln107Arg)

Gene: SMAD2 (SMAD family member 2; minus strand). Cytogenetic location: 18q21.1.
Variant type: single nucleotide variant.
Coding change: c.320A>G on transcript NM_005901.6 (MANE Select); coding-DNA position 320, A replaced by G.
Protein change: p.Gln107Arg; replaces glutamine 107 with arginine.
Molecular consequence: missense variant. On other transcripts: intron variant (1).
Genome position (GRCh38, 1-based): chr18:47,870,481, T>C on the plus strand (A>G on the coding strand, the complement: SMAD2 is on the minus strand). VCF-style: chr18-47870481-T-C. GRCh37 (hg19) VCF-style: chr18-45396852-T-C.
Other names: c.320A>G, p.Gln107Arg (NM_001003652.4); c.237-1045A>G (NM_001135937.3); short protein forms Q107R.
Identifiers: ClinVar variation 2785726 (VCV002785726.3), dbSNP rs762509218, ClinGen allele CA8956313.
Genomic context (GRCh38, chr18:47,870,481, plus strand): 5'-ATATACCCCCCTCCCACAAGATCTCTAAGATTCGACAGAGGGCAGAATATTCACCTGGTT[T>C]GTTCAGAGAAGCTGTAAAGGCCTGTTGTATCCCACTGATCTATCGTATTTGGTGTACTCA-3'
Protein context (NP_005892.1, residues 97-117): DTTGLYSFSE[Gln107Arg]TRSLDGRLQV

ClinVar aggregate classification (germline): Uncertain significance (1 of 4 stars; one submission).

Allele frequency attached by ClinVar (database versions not stated): gnomAD exomes 0.00001; ExAC 0.00002.
gnomAD v4.1: 4 of 1,610,666 alleles (0.00025%); highest among the groups gnomAD compares: Non-Finnish European, 0.00034%; no homozygotes.

Submission:

Labcorp Genetics (formerly Invitae), Labcorp
Classification: Uncertain significance. Last evaluated: 2023-06-28. Review status: criteria provided, single submitter. Criteria: Invitae Variant Classification Sherloc (09022015). Collection method: clinical testing. Allele origin: germline.
Comment: Advanced modeling of protein sequence and biophysical properties (such as structural, functional, and spatial information, amino acid conservation, physicochemical variation, residue mobility, and thermodynamic stability) performed at Invitae indicates that this missense variant is not expected to disrupt SMAD2 protein function. This sequence change replaces glutamine, which is neutral and polar, with arginine, which is basic and polar, at codon 107 of the SMAD2 protein (p.Gln107Arg). This variant is present in population databases (rs762509218, gnomAD 0.002%). This variant has not been reported in the literature in individuals affected with SMAD2-related conditions. In summary, the available evidence is currently insufficient to determine the role of this variant in disease. Therefore, it has been classified as a Variant of Uncertain Significance.